The following is an entry in ClinVar:

ClinVar aggregate classification (germline): Uncertain significance. Review status: criteria provided, multiple submitters, no conflicts (2 of 4 stars). 2 submissions from 2 submitters: Uncertain significance (2). Last evaluated 2026-06-09.

Conditions:
PLEC-related disorder. Also called: PLEC-related condition; PLEC-related disorders.
Epidermolysis bullosa simplex with nail dystrophy (EBS5D). Identifiers: MedGen C4225309, MONDO:0014661, OMIM 616487.
Epidermolysis bullosa simplex, Ogna type (EBS5A). Also called: Pidermolysis bullosa simplex 5A, Ogna type; EPIDERMOLYSIS BULLOSA SIMPLEX 5A, OGNA TYPE. Identifiers: Orphanet 79401, MedGen C0432317, MONDO:0007555, OMIM 131950.
Epidermolysis bullosa simplex 5B, with muscular dystrophy (EBS5B). Also called: EPIDERMOLYSIS BULLOSA SIMPLEX AND LIMB-GIRDLE MUSCULAR DYSTROPHY; Epidermolysis bullosa simplex with muscular dystrophy. Identifiers: Orphanet 257, MedGen C2931072, MONDO:0009181, OMIM 226670.
Autosomal recessive limb-girdle muscular dystrophy type 2Q (LGMDR17). Also called: MUSCULAR DYSTROPHY, LIMB-GIRDLE, AUTOSOMAL RECESSIVE 17. Identifiers: Orphanet 254361, MedGen C3150989, MONDO:0013390, OMIM 613723.
Epidermolysis bullosa simplex 5C, with pyloric atresia (EBS5C). Also called: PLEC-Related Epidermolysis Bullosa with Pyloric Atresia; Epidermolysis bullosa simplex with pyloric atresia; PLEC1-Related Epidermolysis Bullosa with Pyloric Atresia. Identifiers: Orphanet 158684, MedGen C2677349, MONDO:0012807, OMIM 612138.

Allele frequency attached by ClinVar (database versions not stated): gnomAD exomes 0.00001 and 0.00003; ExAC 0.00002; gnomAD 0.00002; TOPMed 0.00002.
gnomAD v4.1: 19 of 1,612,980 alleles (0.0012%); highest among the groups gnomAD compares: East Asian, 0.013%; no homozygotes.

Submissions (2):

PreventionGenetics, part of Exact Sciences
Classification: Uncertain significance for PLEC-related condition. Last evaluated: 2026-06-09. Review status: criteria provided, single submitter. Criteria: ACMG Guidelines, 2015. Collection method: clinical testing. Allele origin: germline.
Comment: The PLEC c.8909G>A variant is predicted to result in the amino acid substitution p.Arg2970Gln. To our knowledge, this variant has not been reported in the literature. This variant is reported in 0.017% of alleles in individuals of African descent in gnomAD. At this time, the clinical significance of this variant is uncertain due to the absence of conclusive functional and genetic evidence.

Labcorp Genetics (formerly Invitae), Labcorp
Classification: Uncertain significance for Autosomal recessive limb-girdle muscular dystrophy type 2Q; Epidermolysis bullosa simplex, Ogna type; Epidermolysis bullosa simplex with nail dystrophy; Epidermolysis bullosa simplex 5C, with pyloric atresia; Epidermolysis bullosa simplex 5B, with muscular dystrophy. Last evaluated: 2024-11-27. Review status: criteria provided, single submitter. Criteria: Invitae Variant Classification Sherloc (09022015). Collection method: clinical testing. Allele origin: germline.
Comment: This sequence change replaces arginine, which is basic and polar, with glutamine, which is neutral and polar, at codon 2970 of the PLEC protein (p.Arg2970Gln). The frequency data for this variant in the population databases is considered unreliable, as metrics indicate poor data quality at this position in the gnomAD database. This variant has not been reported in the literature in individuals affected with PLEC-related conditions. ClinVar contains an entry for this variant (Variation ID: 1347582). An algorithm developed to predict the effect of missense changes on protein structure and function (PolyPhen-2) suggests that this variant is likely to be disruptive. In summary, the available evidence is currently insufficient to determine the role of this variant in disease. Therefore, it has been classified as a Variant of Uncertain Significance.

NM_201384.3(PLEC):c.8828G>A (p.Arg2943Gln)

Gene: PLEC (plectin; minus strand). Cytogenetic location: 8q24.3.
Variant type: single nucleotide variant.
Coding change: c.8828G>A on transcript NM_201384.3 (MANE Select); coding-DNA position 8828, G replaced by A.
Protein change: p.Arg2943Gln; replaces arginine 2943 with glutamine.
Molecular consequence: missense variant.
Genome position (GRCh38, 1-based): chr8:143,920,993, C>T on the plus strand (G>A on the coding strand, the complement: PLEC is on the minus strand). VCF-style: chr8-143920993-C-T. GRCh37 (hg19) VCF-style: chr8-144995161-C-T.
Other names: c.8909G>A, p.Arg2970Gln (NM_000445.5); c.8786G>A, p.Arg2929Gln (NM_201378.4); c.8762G>A, p.Arg2921Gln (NM_201379.3); c.9239G>A, p.Arg3080Gln (NM_201380.4); c.8732G>A, p.Arg2911Gln (NM_201381.3); c.8828G>A, p.Arg2943Gln (NM_201382.4); c.8840G>A, p.Arg2947Gln (NM_201383.3); c.8909G>A (NM_000445.4); short protein forms R2929Q, R2947Q, R2943Q, R3080Q, R2921Q, R2911Q, R2970Q.
Identifiers: ClinVar variation 1347582 (VCV001347582.7), dbSNP rs782066196, ClinGen allele CA4925168.